The following is an entry in ClinVar:

NM_001197104.2(KMT2A):c.7642G>A (p.Ala2548Thr)

Gene: KMT2A (lysine methyltransferase 2A; plus strand). Cytogenetic location: 11q23.3.
Variant type: single nucleotide variant.
Coding change: c.7642G>A on transcript NM_001197104.2 (MANE Select); coding-DNA position 7642, G replaced by A.
Protein change: p.Ala2548Thr; replaces alanine 2548 with threonine.
Molecular consequence: missense variant.
Genome position (GRCh38, 1-based): chr11:118,503,534, G>A. VCF-style: chr11-118503534-G-A. GRCh37 (hg19) VCF-style: chr11-118374249-G-A.
Other names: c.7732G>A, p.Ala2578Thr (NM_001412597.1); c.7633G>A, p.Ala2545Thr (NM_005933.4); short protein forms A2578T, A2545T, A2548T.
Identifiers: ClinVar variation 2102126 (VCV002102126.4), dbSNP rs1424901855, ClinGen allele CA382806307.
Genomic context (GRCh38, chr11:118,503,534, plus strand): 5'-ACACCTCTAAAAATGGAAAATGAGAGTCAATCCAAAAATGCCCTGAAAGAAAGTAGTCCT[G>A]CTTCCCCTTTGCAAATAGAGTCAACATCTCCCACAGAACCAATTTCAGCCTCTGAAAATC-3'
Protein context (NP_001184033.1, residues 2538-2558): SKNALKESSP[Ala2548Thr]SPLQIESTSP

ClinVar aggregate classification (germline): Uncertain significance (1 of 4 stars; one submission).

Allele frequency attached by ClinVar (database versions not stated): gnomAD 0.00001.
gnomAD v4.1: 1 of 1,614,016 alleles (0.000062%); highest among the groups gnomAD compares: South Asian, 0.0011%; no homozygotes.

Submission:

Labcorp Genetics (formerly Invitae), Labcorp
Classification: Uncertain significance. Last evaluated: 2022-07-03. Review status: criteria provided, single submitter. Criteria: Invitae Variant Classification Sherloc (09022015). Collection method: clinical testing. Allele origin: germline.
Comment: In summary, the available evidence is currently insufficient to determine the role of this variant in disease. Therefore, it has been classified as a Variant of Uncertain Significance. Advanced modeling of protein sequence and biophysical properties (such as structural, functional, and spatial information, amino acid conservation, physicochemical variation, residue mobility, and thermodynamic stability) performed at Invitae indicates that this missense variant is not expected to disrupt KMT2A protein function. This variant has not been reported in the literature in individuals affected with KMT2A-related conditions. This variant is not present in population databases (gnomAD no frequency). This sequence change replaces alanine, which is neutral and non-polar, with threonine, which is neutral and polar, at codon 2548 of the KMT2A protein (p.Ala2548Thr).